The following is an entry in ClinVar:

NM_000256.3(MYBPC3):c.1577_1580dup (p.Cys528fs)

Gene: MYBPC3 (myosin binding protein C3; minus strand). Cytogenetic location: 11p11.2.
Variant type: Duplication.
Coding change: c.1577_1580dup on transcript NM_000256.3 (MANE Select); coding-DNA positions 1577 to 1580, 4 bases duplicated (CACT; older notation c.1577_1580dupCACT).
Protein change: p.Cys528fs; shifts the reading frame from cysteine 528.
Molecular consequence: frameshift variant.
Genome position (GRCh38, 1-based): chr11:47,342,622-47,342,625, AGTG duplicated on the plus strand (CACT on the coding strand, the reverse complement: MYBPC3 is on the minus strand). VCF-style (leftmost placement, unchanged base first): chr11-47342621-C-CAGTG. GRCh37 (hg19) VCF-style: chr11-47364172-C-CAGTG.
Other names: c.1577_1580dup, p.Cys528fs (LRG_386t1); c.1577_1580dupCACT (NM_000256.3); short protein forms C528fs.
Identifiers: ClinVar variation 181148 (VCV000181148.7), dbSNP rs730880712, ClinGen allele CA296492.

ClinVar aggregate classification (germline): Pathogenic/Likely pathogenic. Review status: criteria provided, multiple submitters, no conflicts (2 of 4 stars). 5 submissions from 5 submitters: Pathogenic (4); Likely pathogenic (1). Last evaluated 2025-10-25.

Conditions:
MYBPC3-related disorder. Also called: MYBPC3-related condition; MYBPC3-related disease; MYBPC3-related disorders.
Cardiovascular phenotype. Identifiers: MedGen CN230736.
Hypertrophic cardiomyopathy. Also called: HYPERTROPHIC MYOCARDIOPATHY. Identifiers: Orphanet 217569, MedGen C0007194, MeSH D002312, MONDO:0005045, HP:0001639.

Allele frequency attached by ClinVar (database versions not stated): gnomAD exomes below 0.00001.

Submissions (5):

Labcorp Genetics (formerly Invitae), Labcorp
Classification: Pathogenic for Hypertrophic cardiomyopathy. Last evaluated: 2025-10-25. Review status: criteria provided, single submitter. Criteria: Invitae Variant Classification Sherloc (09022015). Collection method: clinical testing. Allele origin: germline.
Comment: This sequence change creates a premature translational stop signal (p.Cys528Thrfs*4) in the MYBPC3 gene. It is expected to result in an absent or disrupted protein product. Loss-of-function variants in MYBPC3 are known to be pathogenic (PMID: 19574547). This variant is not present in population databases (gnomAD no frequency). This premature translational stop signal has been observed in individual(s) with hypertrophic cardiomyopathy (PMID: 34542152). ClinVar contains an entry for this variant (Variation ID: 181148). Algorithms developed to predict the effect of sequence changes on RNA splicing suggest that this variant may disrupt the consensus splice site. For these reasons, this variant has been classified as Pathogenic.

Molecular Diagnostic Laboratory for Inherited Cardiovascular Disease, Montreal Heart Institute
Classification: Pathogenic for Cardiovascular phenotype. Last evaluated: 2024-02-23. Review status: criteria provided, single submitter. Criteria: ACMG Guidelines, 2015. Collection method: clinical testing. Allele origin: germline. Affected: yes.
Comment: PVS1, PM2, PS4_supp, PP5

Blueprint Genetics
Classification: Pathogenic for MYBPC3-related disorders. Last evaluated: 2024-02-06. Review status: criteria provided, single submitter. Criteria: ACMG Guidelines, 2015. Collection method: clinical testing. Allele origin: germline. Affected: yes. Observed: 1 variant allele.

GeneDx
Classification: Pathogenic. Last evaluated: 2015-04-23. Review status: criteria provided, single submitter. Criteria: GeneDx Variant Classification (06012015). Collection method: clinical testing. Allele origin: germline. Affected: yes.
Comment: Although the c.1577_1580dupCACT pathogenic variant in the MYBPC3 gene has not been reported to our knowledge, this variant causes a shift in reading frame starting at codon Cysteine 528, changing it to a Threonine, and creating a premature stop codon at position 4 of the new reading frame, denoted p.Cys528ThrfsX4. This variant is expected to result in either an abnormal, truncated protein product or loss of protein from this allele through nonsense-mediated mRNA decay. Other frameshift variant in the MYBPC3 gene have been reported in HGMD in association with HCM (Stenson et al., 2014).

Stanford Center for Inherited Cardiovascular Disease, Stanford University
Classification: Likely pathogenic. Last evaluated: 2012-07-30. Review status: criteria provided, single submitter. Criteria: ACMG Guidelines, 2015. Collection method: provider interpretation. Allele origin: germline.

Literature cited by the submitters: PubMed 19574547 (cited by Labcorp Genetics (formerly Invitae), Labcorp); PubMed 34542152 (cited by Labcorp Genetics (formerly Invitae), Labcorp).